The following is an entry in ClinVar:

NM_007227.3(GPR45):c.527C>T (p.Pro176Leu)

Gene: GPR45 (G protein-coupled receptor 45; plus strand). Cytogenetic location: 2q12.1.
Variant type: single nucleotide variant.
Coding change: c.527C>T on transcript NM_007227.3 (MANE Select); coding-DNA position 527, C replaced by T.
Protein change: p.Pro176Leu; replaces proline 176 with leucine.
Molecular consequence: missense variant.
Genome position (GRCh38, 1-based): chr2:105,242,385, C>T. VCF-style: chr2-105242385-C-T. GRCh37 (hg19) VCF-style: chr2-105858842-C-T.
Other names: short protein forms P176L.
Identifiers: ClinVar variation 3009073 (VCV003009073.3), dbSNP rs374437830, ClinGen allele CA348100469.
Genomic context (GRCh38, chr2:105,242,385, plus strand): 5'-GGGTGCTGTCCTTCTGCATCGCGGGGCCCTCGCTCACGGGCTGGACGCTGGTGGAGGTGC[C>T]GGCGCGGGCCCCACAGTGCGTGCTGGGCTACACGGAGCTCCCCGCTGACCGCGCCTACGT-3'
Protein context (NP_009158.3, residues 166-186): SLTGWTLVEV[Pro176Leu]ARAPQCVLGY

ClinVar aggregate classification (germline): Uncertain significance (1 of 4 stars; one submission).

gnomAD v4.1: 1 of 1,612,288 alleles (0.000062%); highest among the groups gnomAD compares: Non-Finnish European, 0.000085%; no homozygotes.

Submission:

Labcorp Genetics (formerly Invitae), Labcorp
Classification: Uncertain significance. Last evaluated: 2023-06-05. Review status: criteria provided, single submitter. Criteria: Invitae Variant Classification Sherloc (09022015). Collection method: clinical testing. Allele origin: germline.
Comment: In summary, the available evidence is currently insufficient to determine the role of this variant in disease. Therefore, it has been classified as a Variant of Uncertain Significance. An algorithm developed to predict the effect of missense changes on protein structure and function (PolyPhen-2) suggests that this variant is likely to be tolerated. This variant has not been reported in the literature in individuals affected with GPR45-related conditions. This variant is not present in population databases (gnomAD no frequency). This sequence change replaces proline, which is neutral and non-polar, with leucine, which is neutral and non-polar, at codon 176 of the GPR45 protein (p.Pro176Leu).